The following is an entry in ClinVar:

ClinVar aggregate classification (germline): Uncertain significance (1 of 4 stars; one submission).

Allele frequency attached by ClinVar (database versions not stated): ExAC 0.00001; gnomAD exomes 0.00002.
gnomAD v4.1: 12 of 1,614,162 alleles (0.00074%); highest among the groups gnomAD compares: East Asian, 0.027%; no homozygotes.

Submission:

Ambry Genetics
Classification: Uncertain significance. Last evaluated: 2022-11-17. Review status: criteria provided, single submitter. Criteria: Ambry Variant Classification Scheme 2023. Collection method: clinical testing. Allele origin: germline.
Comment: The p.D1355G variant (also known as c.4064A>G), located in coding exon 4 of the ALPK2 gene, results from an A to G substitution at nucleotide position 4064. The aspartic acid at codon 1355 is replaced by glycine, an amino acid with similar properties. This amino acid position is conserved. In addition, this alteration is predicted to be tolerated by in silico analysis. Since supporting evidence is limited at this time, the clinical significance of this alteration remains unclear.

NM_052947.4(ALPK2):c.4064A>G (p.Asp1355Gly)

Genes: ALPK2 (alpha kinase 2; minus strand), LOC126862764 (BRD4-independent group 4 enhancer GRCh37_chr18:56202574-56203773; plus strand). Cytogenetic location: 18q21.31.
Variant type: single nucleotide variant.
Coding change: c.4064A>G on transcript NM_052947.4 (MANE Select); coding-DNA position 4064, A replaced by G.
Protein change: p.Asp1355Gly; replaces aspartic acid 1355 with glycine.
Molecular consequence: missense variant.
Genome position (GRCh38, 1-based): chr18:58,536,123, T>C on the plus strand (A>G on the coding strand, the complement: ALPK2 is on the minus strand). VCF-style: chr18-58536123-T-C. GRCh37 (hg19) VCF-style: chr18-56203355-T-C.
Other names: short protein forms D1355G.
Identifiers: ClinVar variation 2451068 (VCV002451068.2), dbSNP rs773674188, ClinGen allele CA8976781.